The following is an entry in ClinVar:

ClinVar aggregate classification (germline): Benign/Likely benign. Review status: criteria provided, multiple submitters, no conflicts (2 of 4 stars). 8 submissions from 8 submitters: Benign (4); Likely benign (4). Last evaluated 2026-09-01.

Conditions:
Rubinstein-Taybi syndrome (RSTS). Identifiers: Orphanet 783, MedGen C0035934, MONDO:0019188.
Inborn genetic diseases. Identifiers: MedGen C0950123, MeSH D030342.

Allele frequency attached by ClinVar (database versions not stated): gnomAD exomes 0.00357 and 0.00248; ExAC 0.00511; gnomAD 0.00223 and 0.00238; ESP Exome Variant Server 0.00224; TOPMed 0.00245; 1000 Genomes Project 30x 0.00265; 1000 Genomes Project 0.00280.
gnomAD v4.1: 4,039 of 1,587,542 alleles (0.25%); highest among the groups gnomAD compares: Middle Eastern, 0.98%; 13 homozygotes.

Submissions (8):

CeGaT Center for Human Genetics Tuebingen
Classification: Likely benign. Last evaluated: 2026-09-01. Review status: criteria provided, single submitter. Criteria: CeGaT Center For Human Genetics Tuebingen Variant Classification Criteria Version 2. Collection method: clinical testing. Allele origin: germline. Affected: yes. Observed: 41 variant alleles.
Comment: CREBBP: BP4, BP7, BS1

Labcorp Genetics (formerly Invitae), Labcorp
Classification: Benign for Rubinstein-Taybi syndrome. Last evaluated: 2026-02-01. Review status: criteria provided, single submitter. Criteria: Invitae Variant Classification Sherloc (09022015). Collection method: clinical testing. Allele origin: germline.

Blueprint Genetics
Classification: Likely benign. Last evaluated: 2024-11-19. Review status: criteria provided, single submitter. Criteria: ACMG Guidelines, 2015. Collection method: clinical testing. Allele origin: germline.

GeneDx
Classification: Benign. Last evaluated: 2018-09-21. Review status: criteria provided, single submitter. Criteria: GeneDx Variant Classification Process June 2021. Collection method: clinical testing. Allele origin: germline. Affected: yes.

Ambry Genetics
Classification: Likely benign for Inborn genetic diseases. Last evaluated: 2016-07-22. Review status: criteria provided, single submitter. Criteria: Ambry Variant Classification Scheme 2023. Collection method: clinical testing. Allele origin: germline.

Eurofins Ntd Llc (ga)
Classification: Benign. Last evaluated: 2013-08-23. Review status: criteria provided, single submitter. Criteria: EGL Classification Definitions 2015. Collection method: clinical testing. Allele origin: germline. Observed: 3 variant alleles, 3 heterozygotes.

Genetic Services Laboratory, University of Chicago
Classification: Benign. Last evaluated: 2013-02-08. Review status: criteria provided, single submitter. Criteria: ACMG Guidelines, 2007. Collection method: clinical testing. Allele origin: germline. Inheritance: Autosomal dominant inheritance.

Breakthrough Genomics
Classification: Likely benign. Review status: criteria provided, single submitter. Criteria: ACMG Guidelines, 2015. Collection method: not provided. Allele origin: germline. Inheritance: Autosomal dominant inheritance. Affected: yes.

NM_004380.3(CREBBP):c.6003T>C (p.Asn2001=)

Gene: CREBBP (CREB binding lysine acetyltransferase; minus strand). Cytogenetic location: 16p13.3.
Variant type: single nucleotide variant.
Coding change: c.6003T>C on transcript NM_004380.3 (MANE Select); coding-DNA position 6003, T replaced by C.
Protein change: p.Asn2001=; no amino-acid change (asparagine 2001 retained).
Molecular consequence: synonymous variant.
Genome position (GRCh38, 1-based): chr16:3,729,044, A>G on the plus strand (T>C on the coding strand, the complement: CREBBP is on the minus strand). VCF-style: chr16-3729044-A-G. GRCh37 (hg19) VCF-style: chr16-3779045-A-G.
Other names: c.5889T>C, p.Asn1963= (NM_001079846.1).
Identifiers: ClinVar variation 95059 (VCV000095059.54), dbSNP rs200998860, ClinGen allele CA148136.
Genomic context (GRCh38, chr16:3,729,044, plus strand): 5'-CCACTGCCCGGGAGGCATGCTGGGCATGACGGGCCCGCTCACCTGGTTGGGTCGGGGCAC[A>G]TTCAGGCTCACGGGGGCCATCTGGCTCCCCGGGGTCCCCATGCCCGTGCGTCCTGGGGGC-3'
Protein context (NP_004371.2, residues 1991-2011): PGSQMAPVSL[Asn2001=]VPRPNQVSGP